The following is an entry in ClinVar:

NM_001267550.2(TTN):c.4487_4488insT (p.Gln1496fs)

Genes: TTN (titin; minus strand), LOC101927055 (uncharacterized LOC101927055; plus strand). Cytogenetic location: 2q31.2.
Variant type: Insertion.
Coding change: c.4487_4488insT on transcript NM_001267550.2 (MANE Select); coding-DNA positions 4487 to 4488, T inserted.
Protein change: p.Gln1496fs; shifts the reading frame from glutamine 1496.
Molecular consequence: frameshift variant. On other transcripts: non-coding transcript variant (1).
Genome position: GRCh38 VCF-style: chr2-178777577-T-TA. GRCh37 (hg19) VCF-style: chr2-179642304-T-TA.
Other names: c.4487_4488insT, p.Gln1496fs (NM_001256850.1, NM_133378.4, NM_133379.5); c.4349_4350insT, p.Gln1450fs (NM_003319.4, NM_133432.3, NM_133437.4); short protein forms Q1450fs, Q1496fs.
Identifiers: ClinVar variation 467167 (VCV000467167.11), dbSNP rs1554009454, ClinGen allele CA658657181.

ClinVar aggregate classification (germline): Pathogenic (1 of 4 stars; one submission).

Conditions:
Autosomal recessive limb-girdle muscular dystrophy type 2J (LGMDR10). Also called: Limb-girdle muscular dystrophy, type 2J; MUSCULAR DYSTROPHY, LIMB-GIRDLE, AUTOSOMAL RECESSIVE 10. Identifiers: Orphanet 140922, MedGen C1837342, MONDO:0012127, OMIM 608807.
Dilated cardiomyopathy 1G (CMD1G). Identifiers: Orphanet 154, MedGen C1858763, MONDO:0011400, OMIM 604145.

Submission:

Labcorp Genetics (formerly Invitae), Labcorp
Classification: Pathogenic for Dilated cardiomyopathy 1G; Autosomal recessive limb-girdle muscular dystrophy type 2J. Last evaluated: 2024-10-28. Review status: criteria provided, single submitter. Criteria: Invitae Variant Classification Sherloc (09022015). Collection method: clinical testing. Allele origin: germline.
Comment: This sequence change creates a premature translational stop signal (p.Gln1496Hisfs*5) in the TTN gene. While this is not anticipated to result in nonsense mediated decay, it is expected to create a truncated TTN protein. This variant is not present in population databases (gnomAD no frequency). This premature translational stop signal has been observed in individual(s) with clinical features of autosomal recessive congenital myopathy (internal data). In at least one individual the data is consistent with being in trans (on the opposite chromosome) from a pathogenic variant. ClinVar contains an entry for this variant (Variation ID: 467167). This variant is located in the Z band of TTN (PMID: 25589632). Truncating variants in this region have been reported in individuals affected with autosomal recessive centronuclear myopathy (PMID: 33449170, internal data). Truncating variants in this region have also been identified in individuals affected with autosomal dominant dilated cardiomyopathy and/or cardio-related conditions (PMID: 27869827, 32964742, internal data). For these reasons, this variant has been classified as Pathogenic.

Literature cited by the submitters: PubMed 25589632; PubMed 33449170; PubMed 27869827; PubMed 32964742.